The following is an entry in ClinVar:

NM_004525.3(LRP2):c.8387G>A (p.Arg2796His)

Gene: LRP2 (LDL receptor related protein 2; minus strand). Cytogenetic location: 2q31.1.
Variant type: single nucleotide variant.
Coding change: c.8387G>A on transcript NM_004525.3 (MANE Select); coding-DNA position 8387, G replaced by A.
Protein change: p.Arg2796His; replaces arginine 2796 with histidine.
Molecular consequence: missense variant.
Genome position (GRCh38, 1-based): chr2:169,201,693, C>T on the plus strand (G>A on the coding strand, the complement: LRP2 is on the minus strand). VCF-style: chr2-169201693-C-T. GRCh37 (hg19) VCF-style: chr2-170058203-C-T.
Other names: short protein forms R2796H.
Identifiers: ClinVar variation 2420633 (VCV002420633.2), dbSNP rs552943504, ClinGen allele CA1953874.
Genomic context (GRCh38, chr2:169,201,693, plus strand): 5'-TTTTTCTCATCTGAAGTGTTATTATCATGGCAGTTGTCTACACCATTGCAGATAAACTCA[C>T]GAGGTATGCACCTTCTGTTATTGCACATAAACTCCGTGGTGGCATTGCAGTCCCTGAACA-3'
Protein context (NP_004516.2, residues 2786-2806): FMCNNRRCIP[Arg2796His]EFICNGVDNC

ClinVar aggregate classification (germline): Uncertain significance (1 of 4 stars; one submission).

Allele frequency attached by ClinVar (database versions not stated): ExAC 0.00002; gnomAD 0.00002; TOPMed 0.00002.
gnomAD v4.1: 25 of 1,614,168 alleles (0.0015%); highest among the groups gnomAD compares: East Asian, 0.0045%; no homozygotes.

Submission:

Labcorp Genetics (formerly Invitae), Labcorp
Classification: Uncertain significance. Last evaluated: 2021-12-24. Review status: criteria provided, single submitter. Criteria: Invitae Variant Classification Sherloc (09022015). Collection method: clinical testing. Allele origin: germline.
Comment: This sequence change replaces arginine, which is basic and polar, with histidine, which is basic and polar, at codon 2796 of the LRP2 protein (p.Arg2796His). This variant is present in population databases (rs552943504, gnomAD 0.003%). This variant has not been reported in the literature in individuals affected with LRP2-related conditions. Advanced modeling of protein sequence and biophysical properties (such as structural, functional, and spatial information, amino acid conservation, physicochemical variation, residue mobility, and thermodynamic stability) performed at Invitae indicates that this missense variant is not expected to disrupt LRP2 protein function. In summary, the available evidence is currently insufficient to determine the role of this variant in disease. Therefore, it has been classified as a Variant of Uncertain Significance.